The following is an entry in ClinVar:

ClinVar aggregate classification (germline): Conflicting classifications of pathogenicity. Review status: criteria provided, conflicting classifications (1 of 4 stars). 3 submissions from 3 submitters: Uncertain significance (2); Likely benign (1). Last evaluated 2024-11-19.

Conditions:
Hereditary breast ovarian cancer syndrome. Also called: BRCA1- and BRCA2-Associated Hereditary Breast and Ovarian Cancer; Hereditary breast and ovarian cancer syndrome; Hereditary breast and ovarian cancer; Hereditary breast and ovarian cancer syndrome (HBOC); Breast and ovarian cancer; Hereditary breast and/or ovarian cancer syndrome. Identifiers: Orphanet 145, MedGen C0677776, MeSH D061325, MONDO:0003582. Disease mechanism: loss of function.
Hereditary cancer-predisposing syndrome. Also called: Neoplastic Syndromes, Hereditary; Tumor predisposition; Hereditary Cancer Syndrome; Hereditary neoplastic syndrome. Identifiers: Orphanet 140162, MedGen C0027672, MeSH D009386, MONDO:0015356.

Submissions (3):

Labcorp Genetics (formerly Invitae), Labcorp
Classification: Uncertain significance for Hereditary breast ovarian cancer syndrome. Last evaluated: 2024-11-19. Review status: criteria provided, single submitter. Criteria: Invitae Variant Classification Sherloc (09022015). Collection method: clinical testing. Allele origin: germline.
Comment: This sequence change replaces glutamic acid, which is acidic and polar, with glutamine, which is neutral and polar, at codon 911 of the BRCA2 protein (p.Glu911Gln). This variant is not present in population databases (gnomAD no frequency). This variant has not been reported in the literature in individuals affected with BRCA2-related conditions. ClinVar contains an entry for this variant (Variation ID: 922547). Invitae Evidence Modeling of protein sequence and biophysical properties (such as structural, functional, and spatial information, amino acid conservation, physicochemical variation, residue mobility, and thermodynamic stability) indicates that this missense variant is not expected to disrupt BRCA2 protein function with a negative predictive value of 95%. In summary, the available evidence is currently insufficient to determine the role of this variant in disease. Therefore, it has been classified as a Variant of Uncertain Significance.

Color Diagnostics, LLC DBA Color Health
Classification: Uncertain significance for Hereditary cancer-predisposing syndrome. Last evaluated: 2023-12-04. Review status: criteria provided, single submitter. Criteria: ACMG Guidelines, 2015. Collection method: clinical testing. Allele origin: germline.
Comment: This missense variant replaces glutamic acid with glutamine at codon 911 of the BRCA2 protein. Computational prediction tools and conservation analyses are inconclusive regarding the impact of this variant on protein structure and function. Splice site prediction tools suggest that this variant may not impact RNA splicing. To our knowledge, functional studies have not been performed for this variant. This variant has not been reported in individuals affected with hereditary cancer in the literature. This variant has not been identified in the general population by the Genome Aggregation Database (gnomAD). The available evidence is insufficient to determine the role of this variant in disease conclusively. Therefore, this variant is classified as a Variant of Uncertain Significance.

University of Washington Department of Laboratory Medicine, University of Washington
Classification: Likely benign for Hereditary cancer-predisposing syndrome. Last evaluated: 2023-03-23. Review status: criteria provided, single submitter. Criteria: Dines et al. (Genet Med. 2020). Collection method: curation. Allele origin: germline.
Comment: Missense variant in a coldspot region where missense variants are very unlikely to be pathogenic (PMID:31911673).

BRCA2 exon 11 coldspot. Reclassification based on statistical prior probability.

NM_000059.4(BRCA2):c.2731G>C (p.Glu911Gln)

Gene: BRCA2 (BRCA2 DNA repair associated; plus strand). Cytogenetic location: 13q13.1.
Variant type: single nucleotide variant.
Coding change: c.2731G>C on transcript NM_000059.4 (MANE Select); coding-DNA position 2731, G replaced by C.
Protein change: p.Glu911Gln; replaces glutamic acid 911 with glutamine.
Molecular consequence: missense variant.
Genome position (GRCh38, 1-based): chr13:32,337,086, G>C. VCF-style: chr13-32337086-G-C. GRCh37 (hg19) VCF-style: chr13-32911223-G-C.
Other names: short protein forms E911Q.
Identifiers: ClinVar variation 922547 (VCV000922547.9), dbSNP rs2072463630, ClinGen allele CA387773599.
Genomic context (GRCh38, chr13:32,337,086, plus strand): 5'-GTCTTCCAAGTAGCTAATGAAAGGAATAATCTTGCTTTAGGAAATACTAAGGAACTTCAT[G>C]AAACAGACTTGACTTGTGTAAACGAACCCATTTTCAAGAACTCTACCATGGTTTTATATG-3'
Protein context (NP_000050.3, residues 901-921): LALGNTKELH[Glu911Gln]TDLTCVNEPI